The following is an entry in ClinVar:

NM_000051.4(ATM):c.7471T>C (p.Trp2491Arg)

Genes: ATM (ATM serine/threonine kinase; plus strand), C11orf65 (chromosome 11 open reading frame 65; minus strand). Cytogenetic location: 11q22.3.
Variant type: single nucleotide variant.
Coding change: c.7471T>C on transcript NM_000051.4 (MANE Select); coding-DNA position 7471, T replaced by C.
Protein change: p.Trp2491Arg; replaces tryptophan 2491 with arginine.
Molecular consequence: missense variant. On other transcripts: intron variant (2).
Genome position (GRCh38, 1-based): chr11:108,330,377, T>C. VCF-style: chr11-108330377-T-C. GRCh37 (hg19) VCF-style: chr11-108201104-T-C.
Other names: c.7471T>C, p.Trp2491Arg (NM_001351834.2); c.641-21306A>G (NM_001330368.2); c.*38+4843A>G (NM_001351110.2); short protein forms W2491R.
Identifiers: ClinVar variation 3801584 (VCV003801584.1).
Genomic context (GRCh38, chr11:108,330,377, plus strand): 5'-ATCAACTGCTTATTAAGTGGAGAAGAACATGATATGTGGGTATTCCGACTTTGTTCCCTC[T>C]GGCTTGAAAATTCTGGAGTTTCTGAAGTCAATGGCATGATGAAGGCAAGTGTTACTCAGC-3'
Protein context (NP_000042.3, residues 2481-2501): DMWVFRLCSL[Trp2491Arg]LENSGVSEVN

ClinVar aggregate classification (germline): Uncertain significance (1 of 4 stars; one submission).

Conditions:
Hereditary cancer-predisposing syndrome. Also called: Neoplastic Syndromes, Hereditary; Tumor predisposition; Hereditary Cancer Syndrome; Hereditary neoplastic syndrome. Identifiers: Orphanet 140162, MedGen C0027672, MeSH D009386, MONDO:0015356.

Submission:

Ambry Genetics
Classification: Uncertain significance for Hereditary cancer-predisposing syndrome. Last evaluated: 2025-01-17. Review status: criteria provided, single submitter. Criteria: Ambry Variant Classification Scheme 2023. Collection method: clinical testing. Allele origin: germline.
Comment: The p.W2491R variant (also known as c.7471T>C), located in coding exon 49 of the ATM gene, results from a T to C substitution at nucleotide position 7471. The tryptophan at codon 2491 is replaced by arginine, an amino acid with dissimilar properties. This amino acid position is highly conserved in available vertebrate species. In addition, this alteration is predicted to be deleterious by in silico analysis. Based on the available evidence, the clinical significance of this variant remains unclear.